The following is an entry in ClinVar:

ClinVar aggregate classification (germline): Likely pathogenic (1 of 4 stars; one submission).

Conditions:
Junctional epidermolysis bullosa. Identifiers: Orphanet 305, MedGen C0079301, MONDO:0017612.

gnomAD v4.1: 1 of 1,612,322 alleles (0.000062%); highest among the groups gnomAD compares: Middle Eastern, 0.017%; no homozygotes.

Submission:

Myriad Genetics, Inc.
Classification: Likely pathogenic for Junctional epidermolysis bullosa. Last evaluated: 2025-02-20. Review status: criteria provided, single submitter. Criteria: Myriad Autosomal Dominant, Autosomal Recessive and X-Linked Classification Criteria (2023). Collection method: clinical testing. Allele origin: unknown.
Comment: NM_000228.2(LAMB3):c.1977-2A>C is a variant in a canonical splice site classified as likely pathogenic in the context of junctional epidermolysis bullosa, LAMB3-related. c.1977-2A>C has been observed in a case with relevant disease (PMID: 9856852). Relevant functional assessments of this variant are not available in the literature. c.1977-2A>C has not been observed in referenced population frequency databases. In summary, NM_000228.2(LAMB3):c.1977-2A>C is a variant in a canonical splice site in a gene where loss of function is a known mechanism of disease, is predicted to disrupt protein function, and has been observed more frequently in cases with the relevant disease than in healthy populations. Please note: this variant was assessed in the context of healthy population screening.

Literature cited by the submitters: PubMed 9856852.

NM_000228.3(LAMB3):c.1977-2A>C

Gene: LAMB3 (laminin subunit beta 3; minus strand). Cytogenetic location: 1q32.2.
Variant type: single nucleotide variant.
Coding change: c.1977-2A>C on transcript NM_000228.3 (MANE Select); the canonical splice acceptor site of the intron before coding-DNA position 1977, A replaced by C.
Molecular consequence: splice acceptor variant.
Genome position (GRCh38, 1-based): chr1:209,624,002, T>G on the plus strand (A>C on the coding strand, the complement: LAMB3 is on the minus strand). VCF-style: chr1-209624002-T-G. GRCh37 (hg19) VCF-style: chr1-209797347-T-G.
Other names: c.1977-2A>C (NM_001127641.1, NM_001017402.2).
Identifiers: ClinVar variation 4081717 (VCV004081717.1).
Genomic context (GRCh38, chr1:209,624,002, plus strand): 5'-GAAGGGACAACGTCTCCTCCTCCAGGGGCAGATCCAGCTGCAGGCCCTGGAGAGTTCGCC[T>G]GAGAAGGGAGAGGAGCTTACACTAAAATATAGGAGGGAGTTTTGCCTCCCCAAAGCAGCT-3'